The following is an entry in ClinVar:

ClinVar aggregate classification (germline): Likely benign. Review status: criteria provided, multiple submitters, no conflicts (2 of 4 stars). 2 submissions from 2 submitters: Likely benign (2). Last evaluated 2025-08-01.

Conditions:
Gorlin syndrome. Also called: Nevoid Basal Cell Carcinoma Syndrome; Basal cell nevus syndrome. Identifiers: Orphanet 377, MedGen C0004779, MONDO:0007187.

gnomAD v4.1: 1 of 1,613,852 alleles (0.000062%); highest among the groups gnomAD compares: Non-Finnish European, 0.000085%; no homozygotes.

Submissions (2):

CeGaT Center for Human Genetics Tuebingen
Classification: Likely benign. Last evaluated: 2025-08-01. Review status: criteria provided, single submitter. Criteria: CeGaT Center For Human Genetics Tuebingen Variant Classification Criteria Version 2. Collection method: clinical testing. Allele origin: germline. Affected: yes. Observed: 1 variant allele.
Comment: PTCH1: BP4, BP7

Labcorp Genetics (formerly Invitae), Labcorp
Classification: Likely benign for Gorlin syndrome. Last evaluated: 2021-02-12. Review status: criteria provided, single submitter. Criteria: Invitae Variant Classification Sherloc (09022015). Collection method: clinical testing. Allele origin: germline.

NM_000264.5(PTCH1):c.1962G>C (p.Thr654=)

Genes: PTCH1 (patched 1; minus strand), LOC100507346 (uncharacterized LOC100507346; plus strand). Cytogenetic location: 9q22.32.
Variant type: single nucleotide variant.
Coding change: c.1962G>C on transcript NM_000264.5 (MANE Select); coding-DNA position 1962, G replaced by C.
Protein change: p.Thr654=; no amino-acid change (threonine 654 retained).
Molecular consequence: synonymous variant. On other transcripts: non-coding transcript variant (2).
Genome position (GRCh38, 1-based): chr9:95,469,039, C>G on the plus strand (G>C on the coding strand, the complement: PTCH1 is on the minus strand). VCF-style: chr9-95469039-C-G. GRCh37 (hg19) VCF-style: chr9-98231321-C-G.
Other names: c.1764G>C, p.Thr588= (NM_001083602.3); c.1959G>C, p.Thr653= (NM_001083603.3); c.1509G>C, p.Thr503= (NM_001083604.3, NM_001083605.3, NM_001083606.3 and 1 more transcripts); c.1806G>C, p.Thr602= (NM_001354918.2).
Identifiers: ClinVar variation 1619343 (VCV001619343.16), dbSNP rs201544613, ClinGen allele CA466352645.